The following is an entry in ClinVar:

NM_000135.4(FANCA):c.2111T>A (p.Leu704His)

Gene: FANCA (FA complementation group A; minus strand). Cytogenetic location: 16q24.3.
Variant type: single nucleotide variant.
Coding change: c.2111T>A on transcript NM_000135.4 (MANE Select); coding-DNA position 2111, T replaced by A.
Protein change: p.Leu704His; replaces leucine 704 with histidine.
Molecular consequence: missense variant.
Genome position (GRCh38, 1-based): chr16:89,771,718, A>T on the plus strand (T>A on the coding strand, the complement: FANCA is on the minus strand). VCF-style: chr16-89771718-A-T. GRCh37 (hg19) VCF-style: chr16-89838126-A-T.
Other names: c.2111T>A, p.Leu704His (NM_001286167.3); short protein forms L704H.
Identifiers: ClinVar variation 963363 (VCV000963363.11), dbSNP rs1239942003, ClinGen allele CA397448169.

ClinVar aggregate classification (germline): Uncertain significance. Review status: criteria provided, multiple submitters, no conflicts (2 of 4 stars). 3 submissions from 3 submitters: Uncertain significance (2). 1 of the submissions does not count toward it. Last evaluated 2024-12-04.

Conditions:
Inborn genetic diseases. Identifiers: MedGen C0950123, MeSH D030342.
Fanconi anemia (FA). Also called: Fanconi's anemia. Identifiers: Orphanet 84, MedGen C0015625, MeSH D005199, MONDO:0019391.

Allele frequency attached by ClinVar (database versions not stated): gnomAD exomes below 0.00001; gnomAD 0.00001; TOPMed 0.00001.
gnomAD v4.1: 4 of 1,614,016 alleles (0.00025%); highest among the groups gnomAD compares: Non-Finnish European, 0.00034%; no homozygotes.

Submissions (3):

Ambry Genetics
Classification: Uncertain significance for Inborn genetic diseases. Last evaluated: 2024-12-04. Review status: criteria provided, single submitter. Criteria: Ambry Variant Classification Scheme 2023. Collection method: clinical testing. Allele origin: germline.
Comment: The p.L704H variant (also known as c.2111T>A), located in coding exon 23 of the FANCA gene, results from a T to A substitution at nucleotide position 2111. The leucine at codon 704 is replaced by histidine, an amino acid with similar properties. This amino acid position is conserved. In addition, the in silico prediction for this alteration is inconclusive. Based on the available evidence, the clinical significance of this variant remains unclear.

Labcorp Genetics (formerly Invitae), Labcorp
Classification: Uncertain significance for Fanconi anemia. Last evaluated: 2021-09-01. Review status: criteria provided, single submitter. Criteria: Invitae Variant Classification Sherloc (09022015). Collection method: clinical testing. Allele origin: germline.
Comment: This sequence change replaces leucine with histidine at codon 704 of the FANCA protein (p.Leu704His). The leucine residue is moderately conserved and there is a moderate physicochemical difference between leucine and histidine. This variant is not present in population databases (ExAC no frequency). This variant has not been reported in the literature in individuals affected with FANCA-related conditions. Algorithms developed to predict the effect of missense changes on protein structure and function are either unavailable or do not agree on the potential impact of this missense change (SIFT: "Deleterious"; PolyPhen-2: "Possibly Damaging"; Align-GVGD: "Class C0"). In summary, the available evidence is currently insufficient to determine the role of this variant in disease. Therefore, it has been classified as a Variant of Uncertain Significance.

Natera, Inc.
Classification: Uncertain significance for Fanconi anemia. Last evaluated: 2020-10-19. Review status: no assertion criteria provided. Collection method: clinical testing. Allele origin: germline. Not counted in ClinVar's aggregate classification.